The following is an entry in ClinVar:

ClinVar aggregate classification (germline): Conflicting classifications of pathogenicity. Review status: criteria provided, conflicting classifications (1 of 4 stars). 4 submissions from 4 submitters: Uncertain significance (1); Likely benign (3). Last evaluated 2026-09-21.

Conditions:
Inborn genetic diseases. Identifiers: MedGen C0950123, MeSH D030342.

Allele frequency attached by ClinVar (database versions not stated): 1000 Genomes Project 0.00040; gnomAD 0.00046 and 0.00049; 1000 Genomes Project 30x 0.00031; TOPMed 0.00038; gnomAD exomes 0.00012; ESP Exome Variant Server 0.00046.
gnomAD v4.1: 139 of 1,614,098 alleles (0.0086%); highest among the groups gnomAD compares: African/African-American, 0.16%; no homozygotes.

Submissions (4):

Molecular Diagnostic Laboratory for Inherited Cardiovascular Disease, Montreal Heart Institute
Classification: Likely benign. Last evaluated: 2026-09-21. Review status: criteria provided, single submitter. Criteria: ACMG Guidelines, 2015. Collection method: clinical testing. Allele origin: germline. Affected: no.
Comment: BS1;BP4

Labcorp Genetics (formerly Invitae), Labcorp
Classification: Likely benign. Last evaluated: 2025-09-29. Review status: criteria provided, single submitter. Criteria: Invitae Variant Classification Sherloc (09022015). Collection method: clinical testing. Allele origin: germline.

Ambry Genetics
Classification: Uncertain significance for Inborn genetic diseases. Last evaluated: 2021-07-13. Review status: criteria provided, single submitter. Criteria: Ambry Variant Classification Scheme 2023. Collection method: clinical testing. Allele origin: germline.
Comment: Felhi, 2020 Based on insufficient or conflicting evidence, the clinical significance of this alteration remains unclear.

GeneDx
Classification: Likely benign. Last evaluated: 2015-11-04. Review status: criteria provided, single submitter. Criteria: GeneDx Variant Classification (06012015). Collection method: clinical testing. Allele origin: germline. Affected: yes.
Comment: This variant is considered likely benign or benign based on one or more of the following criteria: it is a conservative change, it occurs at a poorly conserved position in the protein, it is predicted to be benign by multiple in silico algorithms, and/or has population frequency not consistent with disease.

Literature cited by the submitters: PubMed 32319008 (cited by Ambry Genetics).

NM_020745.4(AARS2):c.1150-4C>G

Gene: AARS2 (alanyl-tRNA synthetase 2, mitochondrial; minus strand). Cytogenetic location: 6p21.1.
Variant type: single nucleotide variant.
Coding change: c.1150-4C>G on transcript NM_020745.4 (MANE Select); 4 bases into the intron before coding-DNA position 1150, C replaced by G.
Molecular consequence: intron variant.
Genome position (GRCh38, 1-based): chr6:44,306,536, G>C on the plus strand (C>G on the coding strand, the complement: AARS2 is on the minus strand). VCF-style: chr6-44306536-G-C. GRCh37 (hg19) VCF-style: chr6-44274273-G-C.
Identifiers: ClinVar variation 381067 (VCV000381067.12), dbSNP rs141516924, ClinGen allele CA3834418.